The following is an entry in ClinVar:

ClinVar aggregate classification (germline): Pathogenic. Review status: criteria provided, multiple submitters, no conflicts (2 of 4 stars). 2 submissions from 2 submitters: Pathogenic (2). Last evaluated 2026-04-22.

Conditions:
Hereditary cancer-predisposing syndrome. Also called: Hereditary Cancer Syndrome; Neoplastic Syndromes, Hereditary; Tumor predisposition; Hereditary neoplastic syndrome. Identifiers: Orphanet 140162, MedGen C0027672, MeSH D009386, MONDO:0015356.
Hereditary nonpolyposis colorectal neoplasms. Identifiers: MedGen C0009405, MeSH D003123.

Submissions (2):

Ambry Genetics
Classification: Pathogenic for Hereditary cancer-predisposing syndrome. Last evaluated: 2026-04-22. Review status: criteria provided, single submitter. Criteria: Ambry Variant Classification Scheme 2023. Collection method: clinical testing. Allele origin: germline.
Comment: The c.345_346delTG pathogenic mutation, located in coding exon 4 of the PMS2 gene, results from a deletion of two nucleotides at nucleotide positions 345 to 346, causing a translational frameshift with a predicted alternate stop codon (p.A116Tfs*22). This variant is considered to be rare based on population cohorts in the Genome Aggregation Database (gnomAD). This alteration is expected to result in loss of function by premature protein truncation or nonsense-mediated mRNA decay. As such, this alteration is interpreted as a disease-causing mutation.

Labcorp Genetics (formerly Invitae), Labcorp
Classification: Pathogenic for Hereditary nonpolyposis colorectal neoplasms. Last evaluated: 2021-02-19. Review status: criteria provided, single submitter. Criteria: Invitae Variant Classification Sherloc (09022015). Collection method: clinical testing. Allele origin: germline.
Comment: For these reasons, this variant has been classified as Pathogenic. Loss-of-function variants in PMS2 are known to be pathogenic (PMID: 21376568, 24362816). This variant has not been reported in the literature in individuals with PMS2-related conditions. This variant is not present in population databases (ExAC no frequency). This sequence change creates a premature translational stop signal (p.Ala116Thrfs*22) in the PMS2 gene. It is expected to result in an absent or disrupted protein product.

Literature cited by the submitters: PubMed 21376568 (cited by Labcorp Genetics (formerly Invitae), Labcorp); PubMed 24362816 (cited by Labcorp Genetics (formerly Invitae), Labcorp).

NM_000535.7(PMS2):c.345_346del (p.Ala116fs)

Gene: PMS2 (PMS1 homolog 2, mismatch repair system component; minus strand). Cytogenetic location: 7p22.1.
Variant type: Microsatellite.
Coding change: c.345_346del on transcript NM_000535.7 (MANE Select); coding-DNA positions 345 to 346, 2 bases deleted (TG; older notation c.345_346delTG).
Protein change: p.Ala116fs; shifts the reading frame from alanine 116.
Molecular consequence: frameshift variant. On other transcripts: 5 prime UTR variant (9), non-coding transcript variant (1), intron variant (2).
Genome position (GRCh38, 1-based): chr7:6,003,697-6,003,698, CA deleted on the plus strand (TG on the coding strand, the reverse complement: PMS2 is on the minus strand); deleting any 2 consecutive bases within chr7:6,003,697-6,003,700 gives the same sequence; the c. name uses the placement nearest the transcript's 3' end. VCF-style (leftmost placement, unchanged base first): chr7-6003696-GCA-G. GRCh37 (hg19) VCF-style: chr7-6043327-GCA-G.
Other names: c.-63TG[1] (NM_001322003.2, NM_001322004.2, NM_001322005.2 and 3 more transcripts); c.345_346del, p.Ala116fs (NM_001322006.2, NM_001322014.2); c.-542TG[1] (NM_001322011.2, NM_001322012.2); c.-142TG[1] (NM_001322015.2); c.35+274_35+275del (NM_001322008.2, NM_001322007.2); c.345_346delTG (NM_000535.5); short protein forms A116fs.
Identifiers: ClinVar variation 953766 (VCV000953766.8), dbSNP rs1785363766, ClinGen allele CA1685261703.
Genomic context (GRCh38, chr7:6,003,696, plus strand): 5'-TTTCAGAGAGGTTTCTCTAAGGGGTCAAGTGAGTGGATAAAAATATTGTATCACCTCAGT[GCA>G]CAAAGTGAGCTCAGAGCTTCCCCCCGAAAGCCAAAAGTTTCAACCTGAGTTAGGTCGGCA-3'